The following is an entry in ClinVar:

NM_024675.4(PALB2):c.1068A>C (p.Lys356Asn)

Gene: PALB2 (partner and localizer of BRCA2; minus strand). Cytogenetic location: 16p12.2.
Variant type: single nucleotide variant.
Coding change: c.1068A>C on transcript NM_024675.4 (MANE Select); coding-DNA position 1068, A replaced by C.
Protein change: p.Lys356Asn; replaces lysine 356 with asparagine.
Molecular consequence: missense variant. On other transcripts: intron variant (3).
Genome position (GRCh38, 1-based): chr16:23,635,478, T>G on the plus strand (A>C on the coding strand, the complement: PALB2 is on the minus strand). VCF-style: chr16-23635478-T-G. GRCh37 (hg19) VCF-style: chr16-23646799-T-G.
Other names: c.1008A>C, p.Lys336Asn (NM_001407296.1); c.1068A>C, p.Lys356Asn (NM_001407301.1, NM_001407302.1, NM_001407297.1 and 3 more transcripts); c.183A>C, p.Lys61Asn (NM_001407308.1, NM_001407309.1, NM_001407310.1 and 5 more transcripts); c.48+5632A>C (NM_001407314.1); c.-104-5009A>C (NM_001407313.1, NM_001407312.1); short protein forms K336N, K356N, K61N.
Identifiers: ClinVar variation 4742337 (VCV004742337.1).

ClinVar aggregate classification (germline): Uncertain significance (1 of 4 stars; one submission).

Conditions:
Familial cancer of breast. Also called: BREAST CANCER, FAMILIAL; Hereditary breast cancer; hereditary breast carcinoma. Identifiers: Orphanet 227535, MedGen C0346153, MONDO:0016419, OMIM 114480. Disease mechanism: loss of function.

Submission:

Labcorp Genetics (formerly Invitae), Labcorp
Classification: Uncertain significance for Familial cancer of breast. Last evaluated: 2025-03-24. Review status: criteria provided, single submitter. Criteria: Invitae Variant Classification Sherloc (09022015). Collection method: clinical testing. Allele origin: germline.
Comment: This sequence change replaces lysine, which is basic and polar, with asparagine, which is neutral and polar, at codon 356 of the PALB2 protein (p.Lys356Asn). This variant is not present in population databases (gnomAD no frequency). This variant has not been reported in the literature in individuals affected with PALB2-related conditions. Invitae Evidence Modeling of protein sequence and biophysical properties (such as structural, functional, and spatial information, amino acid conservation, physicochemical variation, residue mobility, and thermodynamic stability) indicates that this missense variant is not expected to disrupt PALB2 protein function with a negative predictive value of 80%. In summary, the available evidence is currently insufficient to determine the role of this variant in disease. Therefore, it has been classified as a Variant of Uncertain Significance.